The following is an entry in ClinVar:

NM_002700.3(POU4F3):c.120+8G>A

Genes: POU4F3 (POU class 4 homeobox 3; plus strand), RBM27-POU4F3 (RBM27-POU4F3 readthrough; plus strand). Cytogenetic location: 5q32.
Variant type: single nucleotide variant.
Coding change: c.120+8G>A on transcript NM_002700.3 (MANE Select); 8 bases into the intron after coding-DNA position 120, G replaced by A.
Molecular consequence: intron variant.
Genome position (GRCh38, 1-based): chr5:146,339,240, G>A. VCF-style: chr5-146339240-G-A. GRCh37 (hg19) VCF-style: chr5-145718803-G-A.
Identifiers: ClinVar variation 505344 (VCV000505344.9), dbSNP rs188019440, ClinGen allele CA3491030.

ClinVar aggregate classification (germline): Benign/Likely benign. Review status: criteria provided, multiple submitters, no conflicts (2 of 4 stars). 4 submissions from 4 submitters: Benign (2); Likely benign (2). Last evaluated 2024-09-19.

Allele frequency attached by ClinVar (database versions not stated): gnomAD 0.00006 and 0.00014; gnomAD exomes 0.00006 and 0.00031; TOPMed 0.00011; ExAC 0.00022; 1000 Genomes Project 30x 0.00187; 1000 Genomes Project 0.00240.

Submissions (4):

Blueprint Genetics
Classification: Likely benign. Last evaluated: 2024-09-19. Review status: criteria provided, single submitter. Criteria: ACMG Guidelines, 2015. Collection method: clinical testing. Allele origin: germline.

Labcorp Genetics (formerly Invitae), Labcorp
Classification: Benign. Last evaluated: 2024-02-18. Review status: criteria provided, single submitter. Criteria: Invitae Variant Classification Sherloc (09022015). Collection method: clinical testing. Allele origin: germline.

GeneDx
Classification: Likely benign. Last evaluated: 2018-04-16. Review status: criteria provided, single submitter. Criteria: GeneDx Variant Classification (06012015). Collection method: clinical testing. Allele origin: germline. Affected: yes.
Comment: This variant is considered likely benign or benign based on one or more of the following criteria: it is a conservative change, it occurs at a poorly conserved position in the protein, it is predicted to be benign by multiple in silico algorithms, and/or has population frequency not consistent with disease.

Laboratory for Molecular Medicine, Mass General Brigham Personalized Medicine
Classification: Benign. Last evaluated: 2016-10-06. Review status: criteria provided, single submitter. Criteria: LMM Criteria. Collection method: clinical testing. Allele origin: germline. Observed: 1 variant allele.
Comment: c.120+8G>A in intron 1 of POU4F3: This variant is not expected to have clinical significance because it has been identified in 0.3% (27/8652) of East Asian chro mosomes by the Exome Aggregation Consortium (ExAC, g; dbSNP rs188019440).